The following is an entry in ClinVar:

NM_002485.5(NBN):c.292A>G (p.Thr98Ala)

Gene: NBN (nibrin; minus strand). Cytogenetic location: 8q21.3.
Variant type: single nucleotide variant.
Coding change: c.292A>G on transcript NM_002485.5 (MANE Select); coding-DNA position 292, A replaced by G.
Protein change: p.Thr98Ala; replaces threonine 98 with alanine.
Molecular consequence: missense variant.
Genome position (GRCh38, 1-based): chr8:89,981,403, T>C on the plus strand (A>G on the coding strand, the complement: NBN is on the minus strand). VCF-style: chr8-89981403-T-C. GRCh37 (hg19) VCF-style: chr8-90993631-T-C.
Other names: c.46A>G, p.Thr16Ala (NM_001024688.3); short protein forms T16A, T98A.
Identifiers: ClinVar variation 2727266 (VCV002727266.4), dbSNP rs1060503453, ClinGen allele CA371662372.

ClinVar aggregate classification (germline): Uncertain significance. Review status: criteria provided, multiple submitters, no conflicts (2 of 4 stars). 2 submissions from 2 submitters: Uncertain significance (2). Last evaluated 2025-08-25.

Conditions:
Hereditary cancer-predisposing syndrome. Also called: Hereditary neoplastic syndrome; Hereditary Cancer Syndrome; Neoplastic Syndromes, Hereditary; Tumor predisposition. Identifiers: Orphanet 140162, MedGen C0027672, MeSH D009386, MONDO:0015356.
Microcephaly, normal intelligence and immunodeficiency (NBS). Also called: Nijmegen breakage syndrome; Microcephaly with normal intelligence immunodeficiency and lymphoreticular malignancies; Nonsyndromal microcephaly autosomal recessive with normal intelligence; Seemanova syndrome 2; BERLIN BREAKAGE SYNDROME; Immunodeficiency, microcephaly with normal intelligence. Identifiers: Orphanet 647, MedGen C0398791, MONDO:0009623, OMIM 251260.

Submissions (2):

Ambry Genetics
Classification: Uncertain significance for Hereditary cancer-predisposing syndrome. Last evaluated: 2025-08-25. Review status: criteria provided, single submitter. Criteria: Ambry Variant Classification Scheme 2023. Collection method: clinical testing. Allele origin: germline.
Comment: The p.T98A variant (also known as c.292A>G), located in coding exon 3 of the NBN gene, results from an A to G substitution at nucleotide position 292. The threonine at codon 98 is replaced by alanine, an amino acid with similar properties. This amino acid position is conserved. In addition, the in silico prediction for this alteration is inconclusive. Based on the available evidence, the clinical significance of this variant remains unclear.

Labcorp Genetics (formerly Invitae), Labcorp
Classification: Uncertain significance for Microcephaly, normal intelligence and immunodeficiency. Last evaluated: 2022-11-08. Review status: criteria provided, single submitter. Criteria: Invitae Variant Classification Sherloc (09022015). Collection method: clinical testing. Allele origin: germline.
Comment: In summary, the available evidence is currently insufficient to determine the role of this variant in disease. Therefore, it has been classified as a Variant of Uncertain Significance. Algorithms developed to predict the effect of missense changes on protein structure and function are either unavailable or do not agree on the potential impact of this missense change (SIFT: "Tolerated"; PolyPhen-2: "Probably Damaging"; Align-GVGD: "Class C0"). This variant has not been reported in the literature in individuals affected with NBN-related conditions. This variant is not present in population databases (gnomAD no frequency). This sequence change replaces threonine, which is neutral and polar, with alanine, which is neutral and non-polar, at codon 98 of the NBN protein (p.Thr98Ala).